The following is an entry in ClinVar:

NM_000257.4(MYH7):c.1043C>G (p.Ser348Cys)

Gene: MYH7 (myosin heavy chain 7; minus strand). Cytogenetic location: 14q11.2.
Variant type: single nucleotide variant.
Coding change: c.1043C>G on transcript NM_000257.4 (MANE Select); coding-DNA position 1043, C replaced by G.
Protein change: p.Ser348Cys; replaces serine 348 with cysteine.
Molecular consequence: missense variant.
Genome position (GRCh38, 1-based): chr14:23,429,870, G>C on the plus strand (C>G on the coding strand, the complement: MYH7 is on the minus strand). VCF-style: chr14-23429870-G-C. GRCh37 (hg19) VCF-style: chr14-23899079-G-C.
Other names: c.1043C>G, p.Ser348Cys (NM_001407004.1); short protein forms S348C.
Identifiers: ClinVar variation 3622299 (VCV003622299.2).

ClinVar aggregate classification (germline): Uncertain significance (1 of 4 stars; one submission).

Conditions:
Hypertrophic cardiomyopathy. Also called: HYPERTROPHIC MYOCARDIOPATHY. Identifiers: Orphanet 217569, MedGen C0007194, MeSH D002312, MONDO:0005045, HP:0001639.

Submission:

Labcorp Genetics (formerly Invitae), Labcorp
Classification: Uncertain significance for Hypertrophic cardiomyopathy. Last evaluated: 2024-12-02. Review status: criteria provided, single submitter. Criteria: Invitae Variant Classification Sherloc (09022015). Collection method: clinical testing. Allele origin: germline.
Comment: This sequence change replaces serine, which is neutral and polar, with cysteine, which is neutral and slightly polar, at codon 348 of the MYH7 protein (p.Ser348Cys). This variant is not present in population databases (gnomAD no frequency). This variant has not been reported in the literature in individuals affected with MYH7-related conditions. Invitae Evidence Modeling of protein sequence and biophysical properties (such as structural, functional, and spatial information, amino acid conservation, physicochemical variation, residue mobility, and thermodynamic stability) indicates that this missense variant is expected to disrupt MYH7 protein function with a positive predictive value of 95%. In summary, the available evidence is currently insufficient to determine the role of this variant in disease. Therefore, it has been classified as a Variant of Uncertain Significance.